The following is an entry in ClinVar:

ClinVar aggregate classification (germline): Uncertain significance (1 of 4 stars; one submission).

gnomAD v4.1: 11 of 1,612,772 alleles (0.00068%); highest among the groups gnomAD compares: African/African-American, 0.0027%; no homozygotes.

Submission:

Labcorp Genetics (formerly Invitae), Labcorp
Classification: Uncertain significance. Last evaluated: 2025-05-14. Review status: criteria provided, single submitter. Criteria: Invitae Variant Classification Sherloc (09022015). Collection method: clinical testing. Allele origin: germline.
Comment: This sequence change replaces proline, which is neutral and non-polar, with leucine, which is neutral and non-polar, at codon 60 of the SLC25A32 protein (p.Pro60Leu). This variant is present in population databases (rs747038599, gnomAD 0.002%). This variant has not been reported in the literature in individuals affected with SLC25A32-related conditions. ClinVar contains an entry for this variant (Variation ID: 3612788). Invitae Evidence Modeling of protein sequence and biophysical properties (such as structural, functional, and spatial information, amino acid conservation, physicochemical variation, residue mobility, and thermodynamic stability) indicates that this missense variant is not expected to disrupt SLC25A32 protein function with a negative predictive value of 80%. In summary, the available evidence is currently insufficient to determine the role of this variant in disease. Therefore, it has been classified as a Variant of Uncertain Significance.

NM_030780.5(SLC25A32):c.179C>T (p.Pro60Leu)

Gene: SLC25A32 (solute carrier family 25 member 32; minus strand). Cytogenetic location: 8q22.3.
Variant type: single nucleotide variant.
Coding change: c.179C>T on transcript NM_030780.5 (MANE Select); coding-DNA position 179, C replaced by T.
Protein change: p.Pro60Leu; replaces proline 60 with leucine.
Molecular consequence: missense variant. On other transcripts: non-coding transcript variant (2).
Genome position (GRCh38, 1-based): chr8:103,407,760, G>A on the plus strand (C>T on the coding strand, the complement: SLC25A32 is on the minus strand). VCF-style: chr8-103407760-G-A. GRCh37 (hg19) VCF-style: chr8-104419988-G-A.
Other names: short protein forms P60L.
Identifiers: ClinVar variation 3612788 (VCV003612788.2).